The following is an entry in ClinVar:

ClinVar aggregate classification (germline): Conflicting classifications of pathogenicity. Review status: criteria provided, conflicting classifications (1 of 4 stars). 14 submissions from 8 submitters: Uncertain significance (2); Likely benign (12). Last evaluated 2026-01-19.

Conditions:
Weill-Marchesani syndrome. Also called: WM Syndrome; Mesodermal dysmorphodystrophy congenital. Identifiers: Orphanet 3449, MedGen C0265313, MONDO:0018096.
Geleophysic dysplasia. Identifiers: Orphanet 2623, MedGen C3489726, MONDO:0000127.
Marfan syndrome (MFS). Also called: Marfan syndrome, classic; FBN1-Related Marfan Syndrome; Marfan syndrome type 1; Marfan's syndrome; MARFAN SYNDROME, TYPE I. Identifiers: Orphanet 284963, Orphanet 558, MedGen C0024796, MONDO:0007947, OMIM 154700.
Familial thoracic aortic aneurysm and aortic dissection (TAAD). Also called: Thoracic aortic aneurysms and dissections. Identifiers: Orphanet 91387, MedGen C4707243, MONDO:0019625.
Acromicric dysplasia (ACMICD). Also called: Acromicric skeletal dysplasia. Identifiers: Orphanet 969, MedGen C0265287, MONDO:0007055, OMIM 102370.
Ectopia lentis 1, isolated, autosomal dominant (ECTOL1). Identifiers: Orphanet 1885, MedGen C3541518, MONDO:0007514, OMIM 129600.
Stiff skin syndrome (SSKS). Identifiers: Orphanet 2833, MedGen C1861456, MONDO:0008492, OMIM 184900.
FBN1-related disorder. Also called: FBN1-related disorders.

Allele frequency attached by ClinVar (database versions not stated): gnomAD 0.00006 and 0.00005; TOPMed 0.00008; ESP Exome Variant Server 0.00008; gnomAD exomes 0.00006 and 0.00023; ExAC 0.00008.
gnomAD v4.1: 345 of 1,604,476 alleles (0.022%); highest among the groups gnomAD compares: Non-Finnish European, 0.029%; no homozygotes.

Submissions (14):

Labcorp Genetics (formerly Invitae), Labcorp
Classification: Likely benign for Marfan syndrome; Familial thoracic aortic aneurysm and aortic dissection. Last evaluated: 2026-01-19. Review status: criteria provided, single submitter. Criteria: Invitae Variant Classification Sherloc (09022015). Collection method: clinical testing. Allele origin: germline.

ARUP Laboratories, Molecular Genetics and Genomics, ARUP Laboratories
Classification: Likely benign. Last evaluated: 2024-11-25. Review status: criteria provided, single submitter. Criteria: ARUP Molecular Germline Variant Investigation Process 2024. Collection method: clinical testing. Allele origin: germline.

PreventionGenetics, part of Exact Sciences
Classification: Likely benign for FBN1-related condition. Last evaluated: 2024-11-15. Review status: criteria provided, single submitter. Criteria: ACMG Guidelines, 2015. Collection method: clinical testing. Allele origin: germline.
Comment: This variant is classified as likely benign based on ACMG/AMP sequence variant interpretation guidelines (Richards et al. 2015 PMID: 25741868, with internal and published modifications).

Blueprint Genetics
Classification: Likely benign. Last evaluated: 2024-04-09. Review status: criteria provided, single submitter. Criteria: ACMG Guidelines, 2015. Collection method: clinical testing. Allele origin: germline.

Women's Health and Genetics/Laboratory Corporation of America, LabCorp
Classification: Likely benign. Last evaluated: 2023-05-30. Review status: criteria provided, single submitter. Criteria: LabCorp Variant Classification Summary - May 2015. Collection method: clinical testing. Allele origin: germline.
Comment: Variant summary: FBN1 c.247+10T>C alters a nucleotide located close to a canonical splice site and therefore could affect mRNA splicing, leading to a significantly altered protein sequence. 4/4 computational tools predict no significant impact on normal splicing. However, these predictions have yet to be confirmed by functional studies. The variant allele was found at a frequency of 5.6e-05 in 248916 control chromosomes, predominantly at a frequency of 0.00013 within the Non-Finnish European subpopulation in the gnomAD database. The observed variant frequency within Non-Finnish European control individuals in the gnomAD database is approximately 1.2 fold of the estimated maximal expected allele frequency for a pathogenic variant in FBN1 causing Marfan Syndrome phenotype (0.00011), strongly suggesting that the variant is a benign polymorphism found primarily in populations of Non-Finnish European origin. c.247+10T>C has been reported in the literature in one individual affected with Marfan Syndrome (Comeglio_2007). The report does not provide unequivocal conclusions about association of the variant with Marfan Syndrome. To our knowledge, no experimental evidence demonstrating an impact on protein function has been reported. The following publication have been ascertained in the context of this evaluation (PMID: 17657824). Four ClinVar submitters (evaluation after 2014) cite this variant as uncertain significance (n=1) and likely benign (n=3). Based on the evidence outlined above, the variant was classified as likely benign.

Illumina Laboratory Services, Illumina
Classification: Likely benign for Weill-Marchesani syndrome. Last evaluated: 2018-01-13. Review status: criteria provided, single submitter. Criteria: ICSL Variant Classification Criteria 13 December 2019. Collection method: clinical testing. Allele origin: germline.
Comment: This variant was observed in the ICSL laboratory as part of a predisposition screen in an ostensibly healthy population. It had not been previously curated by ICSL or reported in the Human Gene Mutation Database (HGMD: prior to June 1st, 2018), and was therefore a candidate for classification through an automated scoring system. Utilizing variant allele frequency, disease prevalence and penetrance estimates, and inheritance mode, an automated score was calculated to assess if this variant is too frequent to cause the disease. Based on the score and internal cut-off values, a variant classified as likely benign is not then subjected to further curation. The score for this variant resulted in a classification of likely benign for this disease.

Illumina Laboratory Services, Illumina
Classification: Likely benign for Ectopia lentis 1, isolated, autosomal dominant. Last evaluated: 2018-01-13. Review status: criteria provided, single submitter. Criteria: ICSL Variant Classification Criteria 13 December 2019. Collection method: clinical testing. Allele origin: germline.
Comment: the same text as in the submission from Illumina Laboratory Services, Illumina above.

Illumina Laboratory Services, Illumina
Classification: Likely benign for Geleophysic dysplasia. Last evaluated: 2018-01-13. Review status: criteria provided, single submitter. Criteria: ICSL Variant Classification Criteria 13 December 2019. Collection method: clinical testing. Allele origin: germline.
Comment: the same text as in the submission from Illumina Laboratory Services, Illumina above.

Illumina Laboratory Services, Illumina
Classification: Uncertain significance for Familial thoracic aortic aneurysm and aortic dissection. Last evaluated: 2018-01-13. Review status: criteria provided, single submitter. Criteria: ICSL Variant Classification Criteria 13 December 2019. Collection method: clinical testing. Allele origin: germline.

Illumina Laboratory Services, Illumina
Classification: Uncertain significance for Marfan syndrome. Last evaluated: 2018-01-13. Review status: criteria provided, single submitter. Criteria: ICSL Variant Classification Criteria 13 December 2019. Collection method: clinical testing. Allele origin: germline.

Illumina Laboratory Services, Illumina
Classification: Likely benign for Acromicric dysplasia. Last evaluated: 2018-01-13. Review status: criteria provided, single submitter. Criteria: ICSL Variant Classification Criteria 13 December 2019. Collection method: clinical testing. Allele origin: germline.
Comment: the same text as in the submission from Illumina Laboratory Services, Illumina above.

Illumina Laboratory Services, Illumina
Classification: Likely benign for Stiff skin syndrome. Last evaluated: 2018-01-13. Review status: criteria provided, single submitter. Criteria: ICSL Variant Classification Criteria 13 December 2019. Collection method: clinical testing. Allele origin: germline.
Comment: the same text as in the submission from Illumina Laboratory Services, Illumina above.

GeneDx
Classification: Likely benign. Last evaluated: 2017-08-08. Review status: criteria provided, single submitter. Criteria: GeneDx Variant Classification (06012015). Collection method: clinical testing. Allele origin: germline. Affected: yes.
Comment: This variant is considered likely benign or benign based on one or more of the following criteria: it is a conservative change, it occurs at a poorly conserved position in the protein, it is predicted to be benign by multiple in silico algorithms, and/or has population frequency not consistent with disease.

Laboratory for Molecular Medicine, Mass General Brigham Personalized Medicine
Classification: Likely benign. Last evaluated: 2012-03-19. Review status: criteria provided, single submitter. Criteria: LMM Criteria. Collection method: clinical testing. Allele origin: germline. Observed: 1 variant allele.
Comment: 247+10T>C in intron 2 of FBN1: This variant is not expected to have clinical sig nificance because it is not located within the splice consensus sequence. It ha s also been identified in 1/8591 European American chromosomes by the NHLBI Exom e Sequencing Project (dbSNP rs367618012).

Literature cited by the submitters: PubMed 17657824 (cited by Women's Health and Genetics/Laboratory Corporation of America, LabCorp).

NM_000138.5(FBN1):c.247+10T>C

Gene: FBN1 (fibrillin 1; minus strand). Cytogenetic location: 15q21.1.
Variant type: single nucleotide variant.
Coding change: c.247+10T>C on transcript NM_000138.5 (MANE Select); 10 bases into the intron after coding-DNA position 247, T replaced by C.
Molecular consequence: intron variant.
Genome position (GRCh38, 1-based): chr15:48,613,000, A>G on the plus strand (T>C on the coding strand, the complement: FBN1 is on the minus strand). VCF-style: chr15-48613000-A-G. GRCh37 (hg19) VCF-style: chr15-48905197-A-G.
Identifiers: ClinVar variation 178035 (VCV000178035.22), dbSNP rs367618012, ClinGen allele CA013091.
Genomic context (GRCh38, chr15:48,613,000, plus strand): 5'-CTAAGGCTCCCCATGCAACCAACACAACAAAAGAAGGACATGCAGAATGACAAGTTTTCT[A>G]TTTACTTACGGACAATACACTGATTTCCGCCAGGTAAGGTTTTCCATCCAGGGCAACAGT-3'